The following is an entry in ClinVar:

NM_032043.3(BRIP1):c.441_445delinsA (p.Tyr147_Asp149delinsTer)

Gene: BRIP1 (BRCA1 interacting DNA helicase 1; minus strand). Cytogenetic location: 17q23.2.
Variant type: Indel.
Coding change: c.441_445delinsA on transcript NM_032043.3 (MANE Select); coding-DNA positions 441 to 445, CAGAG replaced by A.
Protein change: p.Tyr147_Asp149delinsTer.
Molecular consequence: nonsense.
Genome position (GRCh38, 1-based): chr17:61,849,191-61,849,195, CTCTG replaced by T on the plus strand (CAGAG replaced by A on the coding strand, the reverse complement: BRIP1 is on the minus strand). VCF-style: chr17-61849191-CTCTG-T. GRCh37 (hg19) VCF-style: chr17-59926552-CTCTG-T.
Identifiers: ClinVar variation 1740397 (VCV001740397.5), dbSNP rs2545420396, ClinGen allele CA2580094510.
Genomic context (GRCh38, chr17:61,849,191, plus strand): 5'-GCTGTGTAGTTTCTAAGGGTCGAATTCTTTTCTTCTCTACTTGAAAATCATCATTTTCAT[CTCTG>T]TATATGGATGCCTGTTTCTTAGCAGATAACTTTGCAGCCAGAGTGGTTTTTTCAGGGGAG-3'

ClinVar aggregate classification (germline): Pathogenic/Likely pathogenic. Review status: criteria provided, multiple submitters, no conflicts (2 of 4 stars). 3 submissions from 3 submitters: Pathogenic (2); Likely pathogenic (1). Last evaluated 2023-05-31.

Conditions:
Hereditary cancer-predisposing syndrome. Also called: Hereditary Cancer Syndrome; Hereditary neoplastic syndrome; Neoplastic Syndromes, Hereditary; Tumor predisposition. Identifiers: Orphanet 140162, MedGen C0027672, MeSH D009386, MONDO:0015356.
Familial cancer of breast. Also called: Hereditary breast cancer; BREAST CANCER, FAMILIAL; hereditary breast carcinoma. Identifiers: Orphanet 227535, MedGen C0346153, MONDO:0016419, OMIM 114480. Disease mechanism: loss of function.

Submissions (3):

Myriad Genetics, Inc.
Classification: Pathogenic for Familial cancer of breast. Last evaluated: 2023-05-31. Review status: criteria provided, single submitter. Criteria: Myriad Autosomal Dominant, Autosomal Recessive and X-Linked Classification Criteria (2023). Collection method: clinical testing. Allele origin: unknown.
Comment: This variant is considered pathogenic. This variant creates a termination codon and is predicted to result in premature protein truncation.

Baylor Genetics
Classification: Likely pathogenic for Familial cancer of breast. Last evaluated: 2023-03-24. Review status: criteria provided, single submitter. Criteria: ACMG Guidelines, 2015. Collection method: clinical testing. Allele origin: unknown.

Ambry Genetics
Classification: Pathogenic for Hereditary cancer-predisposing syndrome. Last evaluated: 2020-12-02. Review status: criteria provided, single submitter. Criteria: Ambry Variant Classification Scheme 2023. Collection method: clinical testing. Allele origin: germline.
Comment: The c.441_445delCAGAGinsA pathogenic mutation, located in coding exon 4 of the BRIP1 gene, results from the deletion of 5 nucleotides and insertion of one nucleotide causing a translational frameshift with a predicted alternate stop codon (p.Y147*). This alteration is expected to result in loss of function by premature protein truncation or nonsense-mediated mRNA decay. As such, this alteration is interpreted as a disease-causing mutation.